The following is an entry in ClinVar:

ClinVar aggregate classification (germline): Likely pathogenic (1 of 4 stars; one submission).

Conditions:
Developmental and epileptic encephalopathy 111 (DEE111). Identifiers: MedGen C5882690, MONDO:0957780, OMIM 620504.
Epilepsy, familial focal, with variable foci 1 (FFEVF1). Also called: DEPDC5-Related Epilepsy. Identifiers: MedGen C4551983, MONDO:0024556, OMIM 604364.

Submission:

Juno Genomics, Hangzhou Juno Genomics, Inc
Classification: Likely pathogenic for Developmental and epileptic encephalopathy 111; Epilepsy, familial focal, with variable foci 1. Review status: criteria provided, single submitter. Criteria: ACMG Guidelines, 2015. Collection method: clinical testing. Allele origin: germline.
Comment: Absent from controls (or at extremely low frequency if recessive) in Genome Aggregation Database.;Null variant in a gene where loss of function (LOF) is a known mechanism of disease.

NM_001242896.3(DEPDC5):c.2677del (p.Cys893fs)

Gene: DEPDC5 (DEP domain containing 5, GATOR1 subcomplex subunit; plus strand). Cytogenetic location: 22q12.3.
Variant type: Deletion.
Coding change: c.2677del on transcript NM_001242896.3 (MANE Select); coding-DNA position 2677, one base deleted (T; older notation c.2677delT).
Protein change: p.Cys893fs; shifts the reading frame from cysteine 893.
Molecular consequence: frameshift variant. On other transcripts: non-coding transcript variant (5).
Genome position (GRCh38, 1-based): chr22:31,843,688, T deleted. VCF-style (leftmost placement, unchanged base first): chr22-31843687-CT-C. GRCh37 (hg19) VCF-style: chr22-32239673-CT-C.
Other names: c.2650del, p.Cys884fs (NM_001136029.4, NM_001369903.1, NM_014662.6); c.2443del, p.Cys815fs (NM_001242897.2, NM_001363854.2, NM_001364319.2); c.2677del, p.Cys893fs (NM_001363852.2, NM_001364318.2, NM_001364320.2); c.2593del, p.Cys865fs (NM_001369901.1, NM_001369902.1); short protein forms C815fs, C865fs, C884fs, C893fs.
Identifiers: ClinVar variation 5019070 (VCV005019070.2).